The following is an entry in ClinVar:

ClinVar aggregate classification (germline): Uncertain significance. Review status: criteria provided, multiple submitters, no conflicts (2 of 4 stars). 2 submissions from 2 submitters: Uncertain significance (2). Last evaluated 2022-12-28.

Conditions:
Joubert syndrome 21 (JBTS21). Identifiers: MedGen C3810212, MONDO:0014288, OMIM 615636.
Inborn genetic diseases. Identifiers: MedGen C0950123, MeSH D030342.

Allele frequency attached by ClinVar (database versions not stated): ExAC 0.00001; gnomAD exomes 0.00001 and below 0.00001.

Submissions (2):

Ambry Genetics
Classification: Uncertain significance for Inborn genetic diseases. Last evaluated: 2022-12-28. Review status: criteria provided, single submitter. Criteria: Ambry Variant Classification Scheme 2023. Collection method: clinical testing. Allele origin: germline.

Labcorp Genetics (formerly Invitae), Labcorp
Classification: Uncertain significance for Joubert syndrome 21. Last evaluated: 2021-08-30. Review status: criteria provided, single submitter. Criteria: Invitae Variant Classification Sherloc (09022015). Collection method: clinical testing. Allele origin: germline.
Comment: This sequence change replaces arginine with cysteine at codon 896 of the CSPP1 protein (p.Arg896Cys). The arginine residue is moderately conserved and there is a large physicochemical difference between arginine and cysteine. This variant is present in population databases (rs757750162, ExAC 0.009%). This variant has not been reported in the literature in individuals affected with CSPP1-related conditions. Algorithms developed to predict the effect of missense changes on protein structure and function are either unavailable or do not agree on the potential impact of this missense change (SIFT: "Deleterious"; PolyPhen-2: "Probably Damaging"; Align-GVGD: "Class C0"). In summary, the available evidence is currently insufficient to determine the role of this variant in disease. Therefore, it has been classified as a Variant of Uncertain Significance.

NM_001382391.1(CSPP1):c.2701C>T (p.Arg901Cys)

Gene: CSPP1 (centrosome and spindle pole associated protein 1; plus strand). Cytogenetic location: 8q13.2.
Variant type: single nucleotide variant.
Coding change: c.2701C>T on transcript NM_001382391.1 (MANE Select); coding-DNA position 2701, C replaced by T.
Protein change: p.Arg901Cys; replaces arginine 901 with cysteine.
Molecular consequence: missense variant.
Genome position (GRCh38, 1-based): chr8:67,163,789, C>T. VCF-style: chr8-67163789-C-T. GRCh37 (hg19) VCF-style: chr8-68076024-C-T.
Other names: c.1651C>T, p.Arg551Cys (NM_001291339.2); c.2620C>T, p.Arg874Cys (NM_001363131.2); c.2506C>T, p.Arg836Cys (NM_001363132.2); c.2425C>T, p.Arg809Cys (NM_001363133.2); c.2767C>T, p.Arg923Cys (NM_001364869.1); c.2587C>T, p.Arg863Cys (NM_001364870.1); c.2686C>T, p.Arg896Cys (NM_024790.7); short protein forms R863C, R896C, R836C, R551C, R874C, R809C, R923C, R901C.
Identifiers: ClinVar variation 840343 (VCV000840343.7), dbSNP rs757750162, ClinGen allele CA4770909.